The following is an entry in ClinVar:

NM_005559.4(LAMA1):c.4585G>A (p.Val1529Ile)

Gene: LAMA1 (laminin subunit alpha 1; minus strand). Cytogenetic location: 18p11.31.
Variant type: single nucleotide variant.
Coding change: c.4585G>A on transcript NM_005559.4 (MANE Select); coding-DNA position 4585, G replaced by A.
Protein change: p.Val1529Ile; replaces valine 1529 with isoleucine.
Molecular consequence: missense variant.
Genome position (GRCh38, 1-based): chr18:6,999,523, C>T on the plus strand (G>A on the coding strand, the complement: LAMA1 is on the minus strand). VCF-style: chr18-6999523-C-T. GRCh37 (hg19) VCF-style: chr18-6999522-C-T.
Other names: short protein forms V1529I.
Identifiers: ClinVar variation 2579487 (VCV002579487.3), dbSNP rs146559010, ClinGen allele CA8881876.

ClinVar aggregate classification (germline): Uncertain significance. Review status: criteria provided, multiple submitters, no conflicts (2 of 4 stars). 2 submissions from 2 submitters: Uncertain significance (2). Last evaluated 2025-12-19.

Allele frequency attached by ClinVar (database versions not stated): gnomAD exomes 0.00005; ESP Exome Variant Server 0.00008; gnomAD 0.00008; TOPMed 0.00010; ExAC 0.00012; 1000 Genomes Project 30x 0.00047; 1000 Genomes Project 0.00060.
gnomAD v4.1: 92 of 1,614,164 alleles (0.0057%); highest among the groups gnomAD compares: East Asian, 0.08%; no homozygotes.

Submissions (2):

GeneDx
Classification: Uncertain significance. Last evaluated: 2025-12-19. Review status: criteria provided, single submitter. Criteria: GeneDx Variant Classification Process June 2021. Collection method: clinical testing. Allele origin: germline. Affected: yes.
Comment: In silico analysis suggests that this missense variant does not alter protein structure/function; Has not been previously published as pathogenic or benign to our knowledge

Blueprint Genetics
Classification: Uncertain significance. Last evaluated: 2024-10-10. Review status: criteria provided, single submitter. Criteria: ACMG Guidelines, 2015. Collection method: clinical testing. Allele origin: germline.